The following is an entry in ClinVar:

ClinVar aggregate classification (germline): Likely benign. Review status: criteria provided, single submitter (1 of 4 stars). 2 submissions from 2 submitters: Likely benign (1). 1 of the submissions does not count toward it. Last evaluated 2026-01-05.

Conditions:
Dilated cardiomyopathy 1G (CMD1G). Identifiers: Orphanet 154, MedGen C1858763, MONDO:0011400, OMIM 604145.
Autosomal recessive limb-girdle muscular dystrophy type 2J (LGMDR10). Also called: Limb-girdle muscular dystrophy, type 2J; MUSCULAR DYSTROPHY, LIMB-GIRDLE, AUTOSOMAL RECESSIVE 10. Identifiers: Orphanet 140922, MedGen C1837342, MONDO:0012127, OMIM 608807.
TTN-related disorder. Also called: TTN-related condition; TTN-related disease; TTN-related disorders.

gnomAD v4.1: 1 of 1,556,712 alleles (0.000064%); no homozygotes.

Submissions (2):

Labcorp Genetics (formerly Invitae), Labcorp
Classification: Likely benign for Dilated cardiomyopathy 1G; Autosomal recessive limb-girdle muscular dystrophy type 2J. Last evaluated: 2026-01-05. Review status: criteria provided, single submitter. Criteria: Invitae Variant Classification Sherloc (09022015). Collection method: clinical testing. Allele origin: germline.

PreventionGenetics, part of Exact Sciences
Classification: Likely benign for TTN-related condition. Last evaluated: 2022-02-16. Review status: no assertion criteria provided. Collection method: clinical testing. Allele origin: germline. Not counted in ClinVar's aggregate classification.
Comment: This variant is classified as likely benign based on ACMG/AMP sequence variant interpretation guidelines (Richards et al. 2015 PMID: 25741868, with internal and published modifications).

NM_001267550.2(TTN):c.31416T>C (p.Ile10472=)

Gene: TTN (titin; minus strand). Cytogenetic location: 2q31.2.
Variant type: single nucleotide variant.
Coding change: c.31416T>C on transcript NM_001267550.2 (MANE Select); coding-DNA position 31416, T replaced by C.
Protein change: p.Ile10472=; no amino-acid change (isoleucine 10472 retained).
Molecular consequence: synonymous variant. On other transcripts: intron variant (3).
Genome position (GRCh38, 1-based): chr2:178,694,609, A>G on the plus strand (T>C on the coding strand, the complement: TTN is on the minus strand). VCF-style: chr2-178694609-A-G. GRCh37 (hg19) VCF-style: chr2-179559336-A-G.
Other names: c.30465T>C, p.Ile10155= (NM_001256850.1); c.27684T>C, p.Ile9228= (NM_133378.4); c.13282+43473T>C (NM_003319.4); c.13858+43473T>C (NM_133437.4); c.13657+43473T>C (NM_133432.3).
Identifiers: ClinVar variation 1105116 (VCV001105116.11), dbSNP rs1378402765, ClinGen allele CA430132095.